The following is an entry in ClinVar:

NM_001080508.3(TBX18):c.1353G>A (p.Pro451=)

Gene: TBX18 (T-box transcription factor 18; minus strand). Cytogenetic location: 6q14.3.
Variant type: single nucleotide variant.
Coding change: c.1353G>A on transcript NM_001080508.3 (MANE Select); coding-DNA position 1353, G replaced by A.
Protein change: p.Pro451=; no amino-acid change (proline 451 retained).
Molecular consequence: synonymous variant.
Genome position (GRCh38, 1-based): chr6:84,737,156, C>T on the plus strand (G>A on the coding strand, the complement: TBX18 is on the minus strand). VCF-style: chr6-84737156-C-T. GRCh37 (hg19) VCF-style: chr6-85446874-C-T.
Identifiers: ClinVar variation 3057498 (VCV003057498.2), dbSNP rs774472628, ClinGen allele CA3910851.

ClinVar aggregate classification (germline): Likely benign (0 of 4 stars; one submission).

Conditions:
TBX18-related disorder. Also called: TBX18-related condition.

Allele frequency attached by ClinVar (database versions not stated): ExAC 0.00001.
gnomAD v4.1: 25 of 1,613,828 alleles (0.0015%); highest among the groups gnomAD compares: East Asian, 0.0022%; no homozygotes.

Submission:

PreventionGenetics, part of Exact Sciences
Classification: Likely benign for TBX18-related condition. Last evaluated: 2019-03-15. Review status: no assertion criteria provided. Collection method: clinical testing. Allele origin: germline.
Comment: This variant is classified as likely benign based on ACMG/AMP sequence variant interpretation guidelines (Richards et al. 2015 PMID: 25741868, with internal and published modifications).